The following is an entry in ClinVar:

ClinVar aggregate classification (germline): Uncertain significance. Review status: criteria provided, multiple submitters, no conflicts (2 of 4 stars). 2 submissions from 2 submitters: Uncertain significance (2). Last evaluated 2022-01-11.

Conditions:
Developmental delay, hypotonia, musculoskeletal defects, and behavioral abnormalities. Identifiers: MedGen C5562012, MONDO:0859202, OMIM 619595.
Floating-Harbor syndrome (FLHS). Also called: SRCAP-Related Floating-Harbor Syndrome; Short stature with delayed bone age, expressive language delay, a triangular face with a prominent nose and deep-set eyes; Pelletier-Leisti syndrome. Identifiers: Orphanet 2044, MedGen C0729582, MONDO:0007621, OMIM 136140.

Allele frequency attached by ClinVar (database versions not stated): gnomAD 0.00001 and 0.00003; gnomAD exomes 0.00004 and 0.00001; ExAC 0.00006; 1000 Genomes Project 0.00040; 1000 Genomes Project 30x 0.00047; TOPMed 0.00001.
gnomAD v4.1: 26 of 1,612,576 alleles (0.0016%); highest among the groups gnomAD compares: East Asian, 0.038%; no homozygotes.

Submissions (2):

Fulgent Genetics
Classification: Uncertain significance for Floating-Harbor syndrome; Developmental delay, hypotonia, musculoskeletal defects, and behavioral abnormalities. Last evaluated: 2022-01-11. Review status: criteria provided, single submitter. Criteria: ACMG Guidelines, 2015. Collection method: clinical testing. Allele origin: unknown.

Labcorp Genetics (formerly Invitae), Labcorp
Classification: Uncertain significance. Last evaluated: 2021-10-10. Review status: criteria provided, single submitter. Criteria: Invitae Variant Classification Sherloc (09022015). Collection method: clinical testing. Allele origin: germline.
Comment: This sequence change replaces histidine with arginine at codon 93 of the SRCAP protein (p.His93Arg). The histidine residue is highly conserved and there is a small physicochemical difference between histidine and arginine. This variant is present in population databases (rs555507140, ExAC 0.08%). This variant has not been reported in the literature in individuals affected with SRCAP-related conditions. Algorithms developed to predict the effect of missense changes on protein structure and function are either unavailable or do not agree on the potential impact of this missense change (SIFT: "Deleterious"; PolyPhen-2: "Not Available"; Align-GVGD: "Class C0"). In summary, the available evidence is currently insufficient to determine the role of this variant in disease. Therefore, it has been classified as a Variant of Uncertain Significance.

NM_006662.3(SRCAP):c.278A>G (p.His93Arg)

Gene: SRCAP (Snf2 related CREBBP activator protein; plus strand). Cytogenetic location: 16p11.2.
Variant type: single nucleotide variant.
Coding change: c.278A>G on transcript NM_006662.3 (MANE Select); coding-DNA position 278, A replaced by G.
Protein change: p.His93Arg; replaces histidine 93 with arginine.
Molecular consequence: missense variant.
Genome position (GRCh38, 1-based): chr16:30,704,287, A>G. VCF-style: chr16-30704287-A-G. GRCh37 (hg19) VCF-style: chr16-30715608-A-G.
Other names: short protein forms H93R.
Identifiers: ClinVar variation 1421672 (VCV001421672.5), dbSNP rs555507140, ClinGen allele CA8010625.